The following is an entry in ClinVar:

NM_194277.3(FRMD7):c.1394G>A (p.Ser465Asn)

Gene: FRMD7 (FERM domain containing 7; minus strand). Cytogenetic location: Xq26.2.
Variant type: single nucleotide variant.
Coding change: c.1394G>A on transcript NM_194277.3 (MANE Select); coding-DNA position 1394, G replaced by A.
Protein change: p.Ser465Asn; replaces serine 465 with asparagine.
Molecular consequence: missense variant.
Genome position (GRCh38, 1-based): chrX:132,078,623, C>T on the plus strand (G>A on the coding strand, the complement: FRMD7 is on the minus strand). VCF-style: chrX-132078623-C-T. GRCh37 (hg19) VCF-style: chrX-131212651-C-T.
Other names: c.1349G>A, p.Ser450Asn (NM_001306193.2); short protein forms S450N, S465N.
Identifiers: ClinVar variation 3600561 (VCV003600561.1).
Genomic context (GRCh38, chrX:132,078,623, plus strand): 5'-CCTGTACAAGGAATATAGGGCACATCCGTGTAAGTTAGCTGCTTTGCTGGACGCACTTTG[C>T]TTGTGAGGCCAGAATATATGCTCATGTGATTACCAGAAAACTTACAGCTTGTTTGGAAGG-3'
Protein context (NP_919253.1, residues 455-475): NHMSIYSGLT[Ser465Asn]KVRPAKQLTY

ClinVar aggregate classification (germline): Uncertain significance (1 of 4 stars; one submission).

gnomAD v4.1: 3 of 1,210,923 alleles (0.00025%); highest among the groups gnomAD compares: Non-Finnish European, 0.00034%; no homozygotes.

Submission:

GeneDx
Classification: Uncertain significance. Last evaluated: 2024-07-25. Review status: criteria provided, single submitter. Criteria: GeneDx Variant Classification Process June 2021. Collection method: clinical testing. Allele origin: germline. Affected: yes.
Comment: Not observed at significant frequency in large population cohorts (gnomAD); In silico analysis indicates that this missense variant does not alter protein structure/function; Has not been previously published as pathogenic or benign to our knowledge